The following is an entry in ClinVar:

NM_001267550.2(TTN):c.77230A>T (p.Lys25744Ter)

Genes: TTN (titin; minus strand), TTN-AS1 (TTN antisense RNA 1; plus strand). Cytogenetic location: 2q31.2.
Variant type: single nucleotide variant.
Coding change: c.77230A>T on transcript NM_001267550.2 (MANE Select); coding-DNA position 77230, A replaced by T.
Protein change: p.Lys25744Ter; replaces lysine 25744 with a stop codon.
Molecular consequence: nonsense.
Genome position (GRCh38, 1-based): chr2:178,568,902, T>A on the plus strand (A>T on the coding strand, the complement: TTN is on the minus strand). VCF-style: chr2-178568902-T-A. GRCh37 (hg19) VCF-style: chr2-179433629-T-A.
Other names: c.72307A>T, p.Lys24103Ter (NM_001256850.1); c.50035A>T, p.Lys16679Ter (NM_003319.4); c.69526A>T, p.Lys23176Ter (NM_133378.4); c.50410A>T, p.Lys16804Ter (NM_133432.3); c.50611A>T, p.Lys16871Ter (NM_133437.4); short protein forms K25744*, K16679*, K16871*, K23176*, K16804*, K24103*.
Identifiers: ClinVar variation 1744725 (VCV001744725.2), dbSNP rs2468382923, ClinGen allele CA349611761.
Genomic context (GRCh38, chr2:178,568,902, plus strand): 5'-CTTGAGTTAGGTTGGTAATTACTGCCTGAAGAGACTTTACTCGAGCACACTCTGACCATT[T>A]CTCACTGTGTTTAGCTTGCATTTCCACAATATACTGAATGATTTTACTGCCACCATCATG-3'

ClinVar aggregate classification (germline): Likely pathogenic (1 of 4 stars; one submission).

Conditions:
Cardiovascular phenotype. Identifiers: MedGen CN230736.

Submission:

Ambry Genetics
Classification: Likely pathogenic for Cardiovascular phenotype. Last evaluated: 2020-12-01. Review status: criteria provided, single submitter. Criteria: Ambry Variant Classification Scheme 2023. Collection method: clinical testing. Allele origin: germline.
Comment: The p.K16679* variant (also known as c.50035A>T), located in coding exon 153 of the TTN gene, results from an A to T substitution at nucleotide position 50035. This changes the amino acid from a lysine to a stop codon within coding exon 153. This exon is located in the A-band region of the N2-B isoform of the titin protein and is constitutively expressed in TTN transcripts (percent spliced in or PSI 100%). This variant was not reported in population-based cohorts in the Genome Aggregation Database (gnomAD). This alteration is expected to result in loss of function by premature protein truncation or nonsense-mediated mRNA decay. While truncating variants in TTN are present in 1-3% of the general population, truncating variants in the A-band are the most common cause of dilated cardiomyopathy (DCM) (Herman DS et al. N. Engl. J. Med., 2012 Feb;366:619-28; Roberts AM et al. Sci Transl Med, 2015 Jan;7:270ra6). TTN truncating variants encoded in constitutive exons (PSI >90%) have been found to be significantly associated with DCM regardless of their position in titin (Schafer S et al. Nat. Genet., 2017 01;49:46-53). As such, this alteration is classified as likely pathogenic.